The following continues an entry in ClinVar:

NM_001160372.4(TRAPPC9):c.2799= (p.Gly933=)

Gene: TRAPPC9. ClinVar aggregate classification (germline): Benign/Likely benign. Benign (4); Likely benign (1).

Submissions 33 to 74 of 74:

Dr. Peter K. Rogan Lab, Western University
No classification provided (evidence only). Condition: Uterine carcinosarcoma. Review status: no classification provided. Collection method: in vitro. Allele origin: not applicable. Functional consequence: retained intron. Not counted in ClinVar's aggregate classification.

Dr. Peter K. Rogan Lab, Western University
No classification provided (evidence only). Condition: Uterine carcinosarcoma. Review status: no classification provided. Collection method: in vitro. Allele origin: not applicable. Functional consequence: skipped exon, retained intron. Not counted in ClinVar's aggregate classification.

Dr. Peter K. Rogan Lab, Western University
No classification provided (evidence only). Condition: Chronic lymphocytic leukemia/small lymphocytic lymphoma. Review status: no classification provided. Collection method: in vitro. Allele origin: not applicable. Functional consequence: cryptic splice site, retained intron. Not counted in ClinVar's aggregate classification.

Dr. Peter K. Rogan Lab, Western University
No classification provided (evidence only). Condition: Chronic lymphocytic leukemia/small lymphocytic lymphoma. Review status: no classification provided. Collection method: in vitro. Allele origin: not applicable. Functional consequence: cryptic splice site. Not counted in ClinVar's aggregate classification.

Dr. Peter K. Rogan Lab, Western University
No classification provided (evidence only). Condition: Chronic lymphocytic leukemia/small lymphocytic lymphoma. Review status: no classification provided. Collection method: in vitro. Allele origin: not applicable. Functional consequence: retained intron. Not counted in ClinVar's aggregate classification.

Dr. Peter K. Rogan Lab, Western University
No classification provided (evidence only). Condition: Chronic lymphocytic leukemia/small lymphocytic lymphoma. Review status: no classification provided. Collection method: in vitro. Allele origin: not applicable. Functional consequence: cryptic splice site, retained intron. Not counted in ClinVar's aggregate classification.

Dr. Peter K. Rogan Lab, Western University
No classification provided (evidence only). Condition: Chronic lymphocytic leukemia/small lymphocytic lymphoma. Review status: no classification provided. Collection method: in vitro. Allele origin: not applicable. Functional consequence: cryptic splice site. Not counted in ClinVar's aggregate classification.

Dr. Peter K. Rogan Lab, Western University
No classification provided (evidence only). Condition: Nonpapillary renal cell carcinoma. Review status: no classification provided. Collection method: in vitro. Allele origin: not applicable. Functional consequence: skipped exon. Not counted in ClinVar's aggregate classification.

Dr. Peter K. Rogan Lab, Western University
No classification provided (evidence only). Condition: Nonpapillary renal cell carcinoma. Review status: no classification provided. Collection method: in vitro. Allele origin: not applicable. Functional consequence: cryptic splice site. Not counted in ClinVar's aggregate classification.

Dr. Peter K. Rogan Lab, Western University
No classification provided (evidence only). Condition: Nonpapillary renal cell carcinoma. Review status: no classification provided. Collection method: in vitro. Allele origin: not applicable. Functional consequence: cryptic splice site, retained intron. Not counted in ClinVar's aggregate classification.

Dr. Peter K. Rogan Lab, Western University
No classification provided (evidence only). Condition: Nonpapillary renal cell carcinoma. Review status: no classification provided. Collection method: in vitro. Allele origin: not applicable. Functional consequence: cryptic splice site, retained intron. Not counted in ClinVar's aggregate classification.

Dr. Peter K. Rogan Lab, Western University
No classification provided (evidence only). Condition: Nonpapillary renal cell carcinoma. Review status: no classification provided. Collection method: in vitro. Allele origin: not applicable. Functional consequence: retained intron. Not counted in ClinVar's aggregate classification.

Dr. Peter K. Rogan Lab, Western University
No classification provided (evidence only). Condition: Nonpapillary renal cell carcinoma. Review status: no classification provided. Collection method: in vitro. Allele origin: not applicable. Functional consequence: cryptic splice site. Not counted in ClinVar's aggregate classification.

Dr. Peter K. Rogan Lab, Western University
No classification provided (evidence only). Condition: Nonpapillary renal cell carcinoma. Review status: no classification provided. Collection method: in vitro. Allele origin: not applicable. Functional consequence: cryptic splice site, retained intron. Not counted in ClinVar's aggregate classification.

Dr. Peter K. Rogan Lab, Western University
No classification provided (evidence only). Condition: Nonpapillary renal cell carcinoma. Review status: no classification provided. Collection method: in vitro. Allele origin: not applicable. Functional consequence: cryptic splice site. Not counted in ClinVar's aggregate classification.

Dr. Peter K. Rogan Lab, Western University
No classification provided (evidence only). Condition: Familial pancreatic carcinoma. Review status: no classification provided. Collection method: in vitro. Allele origin: not applicable. Functional consequence: retained intron. Not counted in ClinVar's aggregate classification.

Dr. Peter K. Rogan Lab, Western University
No classification provided (evidence only). Condition: Familial pancreatic carcinoma. Review status: no classification provided. Collection method: in vitro. Allele origin: not applicable. Functional consequence: cryptic splice site, retained intron. Not counted in ClinVar's aggregate classification.

Dr. Peter K. Rogan Lab, Western University
No classification provided (evidence only). Condition: Familial pancreatic carcinoma. Review status: no classification provided. Collection method: in vitro. Allele origin: not applicable. Functional consequence: cryptic splice site. Not counted in ClinVar's aggregate classification.

Dr. Peter K. Rogan Lab, Western University
No classification provided (evidence only). Condition: Familial pancreatic carcinoma. Review status: no classification provided. Collection method: in vitro. Allele origin: not applicable. Functional consequence: cryptic splice site, retained intron. Not counted in ClinVar's aggregate classification.

Dr. Peter K. Rogan Lab, Western University
No classification provided (evidence only). Condition: Familial pancreatic carcinoma. Review status: no classification provided. Collection method: in vitro. Allele origin: not applicable. Functional consequence: skipped exon. Not counted in ClinVar's aggregate classification.

Dr. Peter K. Rogan Lab, Western University
No classification provided (evidence only). Condition: Familial pancreatic carcinoma. Review status: no classification provided. Collection method: in vitro. Allele origin: not applicable. Functional consequence: skipped exon. Not counted in ClinVar's aggregate classification.

Dr. Peter K. Rogan Lab, Western University
No classification provided (evidence only). Condition: Familial pancreatic carcinoma. Review status: no classification provided. Collection method: in vitro. Allele origin: not applicable. Functional consequence: cryptic splice site, retained intron. Not counted in ClinVar's aggregate classification.

Dr. Peter K. Rogan Lab, Western University
No classification provided (evidence only). Condition: Familial pancreatic carcinoma. Review status: no classification provided. Collection method: in vitro. Allele origin: not applicable. Functional consequence: cryptic splice site, skipped exon, retained intron. Not counted in ClinVar's aggregate classification.

Dr. Peter K. Rogan Lab, Western University
No classification provided (evidence only). Condition: Familial pancreatic carcinoma. Review status: no classification provided. Collection method: in vitro. Allele origin: not applicable. Functional consequence: retained intron. Not counted in ClinVar's aggregate classification.

Dr. Peter K. Rogan Lab, Western University
No classification provided (evidence only). Condition: Familial pancreatic carcinoma. Review status: no classification provided. Collection method: in vitro. Allele origin: not applicable. Functional consequence: cryptic splice site, retained intron. Not counted in ClinVar's aggregate classification.

Dr. Peter K. Rogan Lab, Western University
No classification provided (evidence only). Condition: Hepatocellular carcinoma. Review status: no classification provided. Collection method: in vitro. Allele origin: not applicable. Functional consequence: cryptic splice site, skipped exon. Not counted in ClinVar's aggregate classification.

Dr. Peter K. Rogan Lab, Western University
No classification provided (evidence only). Condition: Hepatocellular carcinoma. Review status: no classification provided. Collection method: in vitro. Allele origin: not applicable. Functional consequence: cryptic splice site. Not counted in ClinVar's aggregate classification.

Dr. Peter K. Rogan Lab, Western University
No classification provided (evidence only). Condition: Hepatocellular carcinoma. Review status: no classification provided. Collection method: in vitro. Allele origin: not applicable. Functional consequence: skipped exon. Not counted in ClinVar's aggregate classification.

Dr. Peter K. Rogan Lab, Western University
No classification provided (evidence only). Condition: Hepatocellular carcinoma. Review status: no classification provided. Collection method: in vitro. Allele origin: not applicable. Functional consequence: cryptic splice site. Not counted in ClinVar's aggregate classification.

Dr. Peter K. Rogan Lab, Western University
No classification provided (evidence only). Condition: Hepatocellular carcinoma. Review status: no classification provided. Collection method: in vitro. Allele origin: not applicable. Functional consequence: skipped exon, retained intron. Not counted in ClinVar's aggregate classification.

Dr. Peter K. Rogan Lab, Western University
No classification provided (evidence only). Condition: Lymphoma. Review status: no classification provided. Collection method: in vitro. Allele origin: not applicable. Functional consequence: skipped exon. Not counted in ClinVar's aggregate classification.

Dr. Peter K. Rogan Lab, Western University
No classification provided (evidence only). Condition: Lymphoma. Review status: no classification provided. Collection method: in vitro. Allele origin: not applicable. Functional consequence: cryptic splice site. Not counted in ClinVar's aggregate classification.

Dr. Peter K. Rogan Lab, Western University
No classification provided (evidence only). Condition: Lymphoma. Review status: no classification provided. Collection method: in vitro. Allele origin: not applicable. Functional consequence: cryptic splice site. Not counted in ClinVar's aggregate classification.

Dr. Peter K. Rogan Lab, Western University
No classification provided (evidence only). Condition: Lymphoma. Review status: no classification provided. Collection method: in vitro. Allele origin: not applicable. Functional consequence: cryptic splice site. Not counted in ClinVar's aggregate classification.

Dr. Peter K. Rogan Lab, Western University
No classification provided (evidence only). Condition: Ovarian cancer. Review status: no classification provided. Collection method: in vitro. Allele origin: not applicable. Functional consequence: cryptic splice site. Not counted in ClinVar's aggregate classification.

Dr. Peter K. Rogan Lab, Western University
No classification provided (evidence only). Condition: Ovarian cancer. Review status: no classification provided. Collection method: in vitro. Allele origin: not applicable. Functional consequence: cryptic splice site. Not counted in ClinVar's aggregate classification.

Dr. Peter K. Rogan Lab, Western University
No classification provided (evidence only). Condition: Ovarian cancer. Review status: no classification provided. Collection method: in vitro. Allele origin: not applicable. Functional consequence: retained intron. Not counted in ClinVar's aggregate classification.

Dr. Peter K. Rogan Lab, Western University
No classification provided (evidence only). Condition: Ovarian cancer. Review status: no classification provided. Collection method: in vitro. Allele origin: not applicable. Functional consequence: cryptic splice site. Not counted in ClinVar's aggregate classification.

Dr. Peter K. Rogan Lab, Western University
No classification provided (evidence only). Condition: Ovarian cancer. Review status: no classification provided. Collection method: in vitro. Allele origin: not applicable. Functional consequence: cryptic splice site, retained intron. Not counted in ClinVar's aggregate classification.

Dr. Peter K. Rogan Lab, Western University
No classification provided (evidence only). Condition: Ovarian cancer. Review status: no classification provided. Collection method: in vitro. Allele origin: not applicable. Functional consequence: cryptic splice site. Not counted in ClinVar's aggregate classification.

Dr. Peter K. Rogan Lab, Western University
No classification provided (evidence only). Condition: Ovarian cancer. Review status: no classification provided. Collection method: in vitro. Allele origin: not applicable. Functional consequence: cryptic splice site. Not counted in ClinVar's aggregate classification.

Genetic Services Laboratory, University of Chicago
Classification: Likely benign for AllHighlyPenetrant. Review status: no assertion criteria provided. Collection method: clinical testing. Allele origin: germline. Inheritance: Autosomal recessive inheritance. Not counted in ClinVar's aggregate classification.
Comment: Likely benign based on allele frequency in 1000 Genomes Project or ESP global frequency and its presence in a patient with a rare or unrelated disease phenotype. NOT Sanger confirmed.